The following is an entry in ClinVar:

NM_001451.3(FOXF1):c.338T>C (p.Leu113Pro)

Gene: FOXF1 (forkhead box F1; plus strand). Cytogenetic location: 16q24.1.
Variant type: single nucleotide variant.
Coding change: c.338T>C on transcript NM_001451.3 (MANE Select); coding-DNA position 338, T replaced by C.
Protein change: p.Leu113Pro; replaces leucine 113 with proline.
Molecular consequence: missense variant.
Genome position (GRCh38, 1-based): chr16:86,510,907, T>C. VCF-style: chr16-86510907-T-C. GRCh37 (hg19) VCF-style: chr16-86544513-T-C.
Other names: short protein forms L113P.
Identifiers: ClinVar variation 3695780 (VCV003695780.2).
Genomic context (GRCh38, chr16:86,510,907, plus strand): 5'-AGAACTCCGTGCGCCACAACCTCTCGCTCAACGAGTGCTTCATCAAGCTACCCAAGGGCC[T>C]TGGGCGGCCCGGCAAGGGCCACTACTGGACCATCGACCCGGCCAGCGAGTTCATGTTCGA-3'
Protein context (NP_001442.2, residues 103-123): NECFIKLPKG[Leu113Pro]GRPGKGHYWT

ClinVar aggregate classification (germline): Uncertain significance (1 of 4 stars; one submission).

Submission:

Labcorp Genetics (formerly Invitae), Labcorp
Classification: Uncertain significance. Last evaluated: 2024-10-12. Review status: criteria provided, single submitter. Criteria: Invitae Variant Classification Sherloc (09022015). Collection method: clinical testing. Allele origin: germline.
Comment: This sequence change replaces leucine, which is neutral and non-polar, with proline, which is neutral and non-polar, at codon 113 of the FOXF1 protein (p.Leu113Pro). This variant is not present in population databases (gnomAD no frequency). This variant has not been reported in the literature in individuals affected with FOXF1-related conditions. Invitae Evidence Modeling of protein sequence and biophysical properties (such as structural, functional, and spatial information, amino acid conservation, physicochemical variation, residue mobility, and thermodynamic stability) indicates that this missense variant is not expected to disrupt FOXF1 protein function with a negative predictive value of 80%. In summary, the available evidence is currently insufficient to determine the role of this variant in disease. Therefore, it has been classified as a Variant of Uncertain Significance.